The following is an entry in ClinVar:

ClinVar aggregate classification (germline): Uncertain significance (1 of 4 stars; one submission).

Conditions:
Poikiloderma with neutropenia (PN). Identifiers: Orphanet 221046, MedGen C1858723, MONDO:0011405, OMIM 604173.

Submission:

Baylor Genetics
Classification: Uncertain significance for Poikiloderma with neutropenia. Last evaluated: 2018-02-06. Review status: criteria provided, single submitter. Criteria: ACMG Guidelines, 2015. Collection method: clinical testing. Allele origin: maternal. Affected: yes.
Comment: This variant was determined to be of uncertain significance according to ACMG Guidelines, 2015 [PMID:25741868].

NM_024598.4(USB1):c.796T>G (p.Ter266Gly)

Gene: USB1 (U6 snRNA biogenesis phosphodiesterase 1; plus strand). Cytogenetic location: 16q21.
Variant type: single nucleotide variant.
Coding change: c.796T>G on transcript NM_024598.4 (MANE Select); coding-DNA position 796, T replaced by G.
Protein change: p.Ter266Gly.
Molecular consequence: stop lost.
Genome position (GRCh38, 1-based): chr16:58,020,243, T>G. VCF-style: chr16-58020243-T-G. GRCh37 (hg19) VCF-style: chr16-58054147-T-G.
Other names: c.742T>G, p.Ter248Gly (NM_001195302.2); c.643T>G, p.Ter215Gly (NM_001330568.2).
Identifiers: ClinVar variation 1032181 (VCV001032181.1), dbSNP rs1963706554, ClinGen allele CA396130500.
Genomic context (GRCh38, chr16:58,020,243, plus strand): 5'-GTGCACACTGAGCAAGTCCGCTGCAAGTCTGGGAACAAGTTCTTCTCGATGCCTTTGAAG[T>G]GAGCACCAGAGGCCTTCCTCCTCCAGGGCCCTCTGCAGACCAGGCTGAGATGGAGGAACC-3'